The following is an entry in ClinVar:

NM_176787.5(PIGN):c.213G>A (p.Pro71=)

Gene: PIGN (phosphatidylinositol glycan anchor biosynthesis class N; minus strand). Cytogenetic location: 18q21.33.
Variant type: single nucleotide variant.
Coding change: c.213G>A on transcript NM_176787.5 (MANE Select); coding-DNA position 213, G replaced by A.
Protein change: p.Pro71=; no amino-acid change (proline 71 retained).
Molecular consequence: synonymous variant.
Genome position (GRCh38, 1-based): chr18:62,161,141, C>T on the plus strand (G>A on the coding strand, the complement: PIGN is on the minus strand). VCF-style: chr18-62161141-C-T. GRCh37 (hg19) VCF-style: chr18-59828374-C-T.
Other names: c.213G>A, p.Pro71= (NM_012327.6).
Identifiers: ClinVar variation 783206 (VCV000783206.39), dbSNP rs370553142, ClinGen allele CA8982643.

ClinVar aggregate classification (germline): Benign/Likely benign. Review status: criteria provided, multiple submitters, no conflicts (2 of 4 stars). 4 submissions from 4 submitters: Benign (3); Likely benign (1). Last evaluated 2026-08-01.

Conditions:
Inborn genetic diseases. Identifiers: MedGen C0950123, MeSH D030342.
Multiple congenital anomalies-hypotonia-seizures syndrome 1 (MCAHS1). Also called: PIGN-CDG; Congenital disorder of glycosylation due to PIGN deficiency; GLYCOSYLPHOSPHATIDYLINOSITOL BIOSYNTHESIS DEFECT 3. Identifiers: Orphanet 280633, MedGen C3279775, MONDO:0013563, OMIM 614080.

Allele frequency attached by ClinVar (database versions not stated): ESP Exome Variant Server 0.00008; TOPMed 0.00013; gnomAD 0.00014 and 0.00038; 1000 Genomes Project 30x 0.00062; gnomAD exomes 0.00074 and 0.00144; 1000 Genomes Project 0.00080; ExAC 0.00157.
gnomAD v4.1: 1,114 of 1,604,600 alleles (0.069%); highest among the groups gnomAD compares: South Asian, 1%; 25 homozygotes.

Submissions (4):

CeGaT Center for Human Genetics Tuebingen
Classification: Benign. Last evaluated: 2026-08-01. Review status: criteria provided, single submitter. Criteria: CeGaT Center For Human Genetics Tuebingen Variant Classification Criteria Version 2. Collection method: clinical testing. Allele origin: germline. Affected: yes. Observed: 9 variant alleles.
Comment: PIGN: BP4, BP7, BS1, BS2

Labcorp Genetics (formerly Invitae), Labcorp
Classification: Benign for Multiple congenital anomalies-hypotonia-seizures syndrome 1. Last evaluated: 2026-01-27. Review status: criteria provided, single submitter. Criteria: Invitae Variant Classification Sherloc (09022015). Collection method: clinical testing. Allele origin: germline.

GeneDx
Classification: Likely benign. Last evaluated: 2020-09-11. Review status: criteria provided, single submitter. Criteria: GeneDx Variant Classification Process June 2021. Collection method: clinical testing. Allele origin: germline. Affected: yes.

Ambry Genetics
Classification: Benign for Inborn genetic diseases. Last evaluated: 2017-10-31. Review status: criteria provided, single submitter. Criteria: Ambry Variant Classification Scheme 2023. Collection method: clinical testing. Allele origin: germline.